The following is an entry in ClinVar:

NM_007186.6(CEP250):c.6038G>A (p.Arg2013Gln)

Gene: CEP250 (centrosomal protein 250; plus strand). Cytogenetic location: 20q11.22.
Variant type: single nucleotide variant.
Coding change: c.6038G>A on transcript NM_007186.6 (MANE Select); coding-DNA position 6038, G replaced by A.
Protein change: p.Arg2013Gln; replaces arginine 2013 with glutamine.
Molecular consequence: missense variant.
Genome position (GRCh38, 1-based): chr20:35,504,407, G>A. VCF-style: chr20-35504407-G-A. GRCh37 (hg19) VCF-style: chr20-34092235-G-A.
Other names: c.4142G>A, p.Arg1381Gln (NM_001318219.1); short protein forms R2013Q, R1381Q.
Identifiers: ClinVar variation 1461468 (VCV001461468.6), dbSNP rs373869925, ClinGen allele CA9833990.

ClinVar aggregate classification (germline): Uncertain significance. Review status: criteria provided, multiple submitters, no conflicts (2 of 4 stars). 2 submissions from 2 submitters: Uncertain significance (2). Last evaluated 2024-09-04.

Allele frequency attached by ClinVar (database versions not stated): gnomAD 0.00002 and 0.00001; ExAC 0.00004; gnomAD exomes 0.00005; ESP Exome Variant Server 0.00008; 1000 Genomes Project 30x 0.00016; 1000 Genomes Project 0.00020; TOPMed 0.00001.
gnomAD v4.1: 25 of 1,606,070 alleles (0.0016%); highest among the groups gnomAD compares: East Asian, 0.013%; no homozygotes.

Submissions (2):

Blueprint Genetics
Classification: Uncertain significance. Last evaluated: 2024-09-04. Review status: criteria provided, single submitter. Criteria: ACMG Guidelines, 2015. Collection method: clinical testing. Allele origin: germline.

Labcorp Genetics (formerly Invitae), Labcorp
Classification: Uncertain significance. Last evaluated: 2022-09-27. Review status: criteria provided, single submitter. Criteria: Invitae Variant Classification Sherloc (09022015). Collection method: clinical testing. Allele origin: germline.
Comment: This sequence change replaces arginine, which is basic and polar, with glutamine, which is neutral and polar, at codon 2013 of the CEP250 protein (p.Arg2013Gln). This variant is present in population databases (rs373869925, gnomAD 0.04%). This variant has not been reported in the literature in individuals affected with CEP250-related conditions. ClinVar contains an entry for this variant (Variation ID: 1461468). Algorithms developed to predict the effect of missense changes on protein structure and function output the following: SIFT: "Not Available"; PolyPhen-2: "Benign"; Align-GVGD: "Not Available". The glutamine amino acid residue is found in multiple mammalian species, which suggests that this missense change does not adversely affect protein function. In summary, the available evidence is currently insufficient to determine the role of this variant in disease. Therefore, it has been classified as a Variant of Uncertain Significance.